The following is an entry in ClinVar:

ClinVar aggregate classification (germline): Uncertain significance (1 of 4 stars; one submission).

Allele frequency attached by ClinVar (database versions not stated): gnomAD exomes 0.00001 and 0.00002; ExAC 0.00002.
gnomAD v4.1: 6 of 1,581,010 alleles (0.00038%); highest among the groups gnomAD compares: Admixed American, 0.012%; no homozygotes.

Submission:

Labcorp Genetics (formerly Invitae), Labcorp
Classification: Uncertain significance. Last evaluated: 2022-08-15. Review status: criteria provided, single submitter. Criteria: Invitae Variant Classification Sherloc (09022015). Collection method: clinical testing. Allele origin: germline.
Comment: This sequence change replaces isoleucine, which is neutral and non-polar, with methionine, which is neutral and non-polar, at codon 805 of the CCDC88A protein (p.Ile805Met). This variant is present in population databases (rs780261850, gnomAD 0.02%). This variant has not been reported in the literature in individuals affected with CCDC88A-related conditions. ClinVar contains an entry for this variant (Variation ID: 1496520). Algorithms developed to predict the effect of missense changes on protein structure and function are either unavailable or do not agree on the potential impact of this missense change (SIFT: "Deleterious"; PolyPhen-2: "Probably Damaging"; Align-GVGD: "Class C0"). In summary, the available evidence is currently insufficient to determine the role of this variant in disease. Therefore, it has been classified as a Variant of Uncertain Significance.

NM_001365480.1(CCDC88A):c.2415A>G (p.Ile805Met)

Gene: CCDC88A (coiled-coil domain containing 88A; minus strand). Cytogenetic location: 2p16.1.
Variant type: single nucleotide variant.
Coding change: c.2415A>G on transcript NM_001365480.1 (MANE Select); coding-DNA position 2415, A replaced by G.
Protein change: p.Ile805Met; replaces isoleucine 805 with methionine.
Molecular consequence: missense variant.
Genome position (GRCh38, 1-based): chr2:55,334,406, T>C on the plus strand (A>G on the coding strand, the complement: CCDC88A is on the minus strand). VCF-style: chr2-55334406-T-C. GRCh37 (hg19) VCF-style: chr2-55561542-T-C.
Other names: c.2415A>G, p.Ile805Met (NM_001135597.2, NM_001254943.2, NM_018084.5); short protein forms I805M.
Identifiers: ClinVar variation 1496520 (VCV001496520.5), dbSNP rs780261850, ClinGen allele CA1665985.
Genomic context (GRCh38, chr2:55,334,406, plus strand): 5'-AGAAGTCTCTTGCTCTAATGATTTATTTTCTTTTTCCAGCTGTTCTAGTCTTTTGCTAGA[T>C]ATTTTTAGTTCTTCTAGGTTTTTCTGCAATGTTTGATTTTCCATCTCTAAGTCTTGTAGT-3'
Protein context (NP_001352409.1, residues 795-815): TLQKNLEELK[Ile805Met]SSKRLEQLEK